The following is an entry in ClinVar:

NM_014991.6(WDFY3):c.6326C>T (p.Thr2109Ile)

Gene: WDFY3 (WD repeat and FYVE domain containing 3; minus strand). Cytogenetic location: 4q21.23.
Variant type: single nucleotide variant.
Coding change: c.6326C>T on transcript NM_014991.6 (MANE Select); coding-DNA position 6326, C replaced by T.
Protein change: p.Thr2109Ile; replaces threonine 2109 with isoleucine.
Molecular consequence: missense variant.
Genome position (GRCh38, 1-based): chr4:84,740,325, G>A on the plus strand (C>T on the coding strand, the complement: WDFY3 is on the minus strand). VCF-style: chr4-84740325-G-A. GRCh37 (hg19) VCF-style: chr4-85661478-G-A.
Other names: c.6326C>T (NM_014991.4); short protein forms T2109I.
Identifiers: ClinVar variation 3768218 (VCV003768218.2).

ClinVar aggregate classification (germline): Uncertain significance. Review status: criteria provided, multiple submitters, no conflicts (2 of 4 stars). 2 submissions from 2 submitters: Uncertain significance (2). Last evaluated 2025-02-14.

gnomAD v4.1: 4 of 1,614,094 alleles (0.00025%); highest among the groups gnomAD compares: East Asian, 0.0089%; no homozygotes.

Submissions (2):

GeneDx
Classification: Uncertain significance. Last evaluated: 2025-02-14. Review status: criteria provided, single submitter. Criteria: GeneDx Variant Classification Process June 2021. Collection method: clinical testing. Allele origin: germline. Affected: yes.
Comment: In silico analysis supports that this missense variant has a deleterious effect on protein structure/function; Has not been previously published as pathogenic or benign to our knowledge

Women's Health and Genetics/Laboratory Corporation of America, LabCorp
Classification: Uncertain significance. Last evaluated: 2024-12-06. Review status: criteria provided, single submitter. Criteria: LabCorp Variant Classification Summary - May 2015. Collection method: clinical testing. Allele origin: germline.
Comment: Variant summary: WDFY3 c.6326C>T (p.Thr2109Ile) results in a non-conservative amino acid change in the encoded protein sequence. Four of five in-silico tools predict a damaging effect of the variant on protein function. The variant allele was found at a frequency of 2.8e-05 in 251490 control chromosomes. The available data on variant occurrences in the general population are insufficient to allow any conclusion about variant significance. To our knowledge, no occurrence of c.6326C>T in individuals affected with Microcephaly 18, Primary, Autosomal Dominant and no experimental evidence demonstrating its impact on protein function have been reported. No submitters have cited clinical-significance assessments for this variant to ClinVar. Based on the evidence outlined above, the variant was classified as uncertain significance.